The following is an entry in ClinVar:

NM_004380.3(CREBBP):c.2464-7C>G

Gene: CREBBP (CREB binding lysine acetyltransferase; minus strand). Cytogenetic location: 16p13.3.
Variant type: single nucleotide variant.
Coding change: c.2464-7C>G on transcript NM_004380.3 (MANE Select); 7 bases into the intron before coding-DNA position 2464, C replaced by G.
Molecular consequence: intron variant.
Genome position (GRCh38, 1-based): chr16:3,770,993, G>C on the plus strand (C>G on the coding strand, the complement: CREBBP is on the minus strand). VCF-style: chr16-3770993-G-C. GRCh37 (hg19) VCF-style: chr16-3820994-G-C.
Other names: c.2350-7C>G (NM_001079846.1); c.2464-7C>G (NM_004380.2).
Identifiers: ClinVar variation 1136687 (VCV001136687.12), dbSNP rs772258017, ClinGen allele CA7870102.

ClinVar aggregate classification (germline): Likely benign. Review status: criteria provided, multiple submitters, no conflicts (2 of 4 stars). 3 submissions from 3 submitters: Likely benign (2). 1 of the submissions does not count toward it. Last evaluated 2022-05-04.

Conditions:
Rubinstein-Taybi syndrome due to CREBBP mutations (RSTS1). Also called: CREBBP-Related Rubinstein-Taybi Syndrome; RUBINSTEIN-TAYBI SYNDROME 1, INCOMPLETE; BROAD THUMB-HALLUX SYNDROME; Rubinstein-Taybi syndrome 1; BROAD THUMBS AND GREAT TOES, CHARACTERISTIC FACIES, AND IMPAIRED INTELLECTUAL DEVELOPMENT; RUBINSTEIN SYNDROME. Identifiers: Orphanet 353277, Orphanet 783, MedGen C4551859, MONDO:0008393, OMIM 180849.
Menke-Hennekam syndrome 1 (MKHK1). Identifiers: MedGen C5193034, MONDO:0020763, OMIM 618332.
Rubinstein-Taybi syndrome (RSTS). Identifiers: Orphanet 783, MedGen C0035934, MONDO:0019188.
CREBBP-related disorder. Also called: CREBBP-related disorders; CREBBP-related condition.

Allele frequency attached by ClinVar (database versions not stated): ExAC 0.00001; gnomAD exomes 0.00001 and 0.00002; gnomAD 0.00002; TOPMed 0.00002.
gnomAD v4.1: 15 of 1,612,908 alleles (0.00093%); highest among the groups gnomAD compares: Non-Finnish European, 0.0013%; no homozygotes.

Submissions (3):

Fulgent Genetics
Classification: Likely benign for Rubinstein-Taybi syndrome due to CREBBP mutations; Menke-Hennekam syndrome 1. Last evaluated: 2022-05-04. Review status: criteria provided, single submitter. Criteria: ACMG Guidelines, 2015. Collection method: clinical testing. Allele origin: unknown.

Labcorp Genetics (formerly Invitae), Labcorp
Classification: Likely benign for Rubinstein-Taybi syndrome. Last evaluated: 2020-01-25. Review status: criteria provided, single submitter. Criteria: Invitae Variant Classification Sherloc (09022015). Collection method: clinical testing. Allele origin: germline.

PreventionGenetics, part of Exact Sciences
Classification: Likely benign for CREBBP-related condition. Last evaluated: 2022-09-20. Review status: no assertion criteria provided. Collection method: clinical testing. Allele origin: germline. Not counted in ClinVar's aggregate classification.
Comment: This variant is classified as likely benign based on ACMG/AMP sequence variant interpretation guidelines (Richards et al. 2015 PMID: 25741868, with internal and published modifications).